The following is an entry in ClinVar:

ClinVar aggregate classification (germline): Uncertain significance. Review status: criteria provided, multiple submitters, no conflicts (2 of 4 stars). 3 submissions from 3 submitters: Uncertain significance (3). Last evaluated 2024-10-08.

Conditions:
Inborn genetic diseases. Identifiers: MedGen C0950123, MeSH D030342.
Joubert syndrome 25 (JBTS25). Identifiers: Orphanet 475, MedGen C4084842, MONDO:0014770, OMIM 616781.

Allele frequency attached by ClinVar (database versions not stated): ExAC 0.00021; gnomAD 0.00022 and 0.00023; gnomAD exomes 0.00023; TOPMed 0.00030.

Submissions (3):

Labcorp Genetics (formerly Invitae), Labcorp
Classification: Uncertain significance for Joubert syndrome 25. Last evaluated: 2024-10-08. Review status: criteria provided, single submitter. Criteria: Invitae Variant Classification Sherloc (09022015). Collection method: clinical testing. Allele origin: germline.
Comment: This sequence change replaces valine, which is neutral and non-polar, with methionine, which is neutral and non-polar, at codon 261 of the CEP104 protein (p.Val261Met). This variant is present in population databases (rs768279838, gnomAD 0.07%). This variant has not been reported in the literature in individuals affected with CEP104-related conditions. ClinVar contains an entry for this variant (Variation ID: 542196). An algorithm developed to predict the effect of missense changes on protein structure and function (PolyPhen-2) suggests that this variant is likely to be disruptive. In summary, the available evidence is currently insufficient to determine the role of this variant in disease. Therefore, it has been classified as a Variant of Uncertain Significance.

Blueprint Genetics
Classification: Uncertain significance. Last evaluated: 2024-09-17. Review status: criteria provided, single submitter. Criteria: ACMG Guidelines, 2015. Collection method: clinical testing. Allele origin: germline.

Ambry Genetics
Classification: Uncertain significance for Inborn genetic diseases. Last evaluated: 2021-09-21. Review status: criteria provided, single submitter. Criteria: Ambry Variant Classification Scheme 2023. Collection method: clinical testing. Allele origin: germline.

NM_014704.4(CEP104):c.781G>A (p.Val261Met)

Gene: CEP104 (centrosomal protein 104; minus strand). Cytogenetic location: 1p36.32.
Variant type: single nucleotide variant.
Coding change: c.781G>A on transcript NM_014704.4 (MANE Select); coding-DNA position 781, G replaced by A.
Protein change: p.Val261Met; replaces valine 261 with methionine.
Molecular consequence: missense variant.
Genome position (GRCh38, 1-based): chr1:3,839,074, C>T on the plus strand (G>A on the coding strand, the complement: CEP104 is on the minus strand). VCF-style: chr1-3839074-C-T. GRCh37 (hg19) VCF-style: chr1-3755638-C-T.
Other names: short protein forms V261M.
Identifiers: ClinVar variation 542196 (VCV000542196.9), dbSNP rs768279838, ClinGen allele CA551814.